The following is an entry in ClinVar:

ClinVar aggregate classification (germline): Conflicting classifications of pathogenicity. Review status: criteria provided, conflicting classifications (1 of 4 stars). 8 submissions from 5 submitters: Uncertain significance (5); Likely benign (3). Last evaluated 2025-08-31.

Conditions:
Retinitis pigmentosa (RP). Identifiers: Orphanet 791, MedGen C0035334, MeSH D012174, MONDO:0019200, OMIM 268000. Inheritance: Autosomal dominant, autosomal recessive and X linked inheritance.
Stargardt disease 4 (STGD4). Identifiers: Orphanet 827, MedGen C1863534, MONDO:0011370, OMIM 603786.
Retinal macular dystrophy type 2 (MCDR2). Also called: Bull's eye macular dystrophy. Identifiers: Orphanet 319640, MedGen C4749334, MONDO:0011957, OMIM 608051.
Cone-rod dystrophy 12 (CORD12). Identifiers: Orphanet 1872, MedGen C2675210, MONDO:0012983, OMIM 612657.
PROM1-related disorder. Also called: PROM1-related condition; PROM1-related disorders.

Allele frequency attached by ClinVar (database versions not stated): gnomAD 0.00001 and 0.00009; TOPMed 0.00004; gnomAD exomes 0.00014 and 0.00024; 1000 Genomes Project 30x 0.00016; 1000 Genomes Project 0.00020; ExAC 0.00030.
gnomAD v4.1: 210 of 1,613,488 alleles (0.013%); highest among the groups gnomAD compares: South Asian, 0.18%; 1 homozygote.

Submissions (8):

Labcorp Genetics (formerly Invitae), Labcorp
Classification: Likely benign. Last evaluated: 2025-08-31. Review status: criteria provided, single submitter. Criteria: Invitae Variant Classification Sherloc (09022015). Collection method: clinical testing. Allele origin: germline.

PreventionGenetics, part of Exact Sciences
Classification: Likely benign for PROM1-related condition. Last evaluated: 2025-03-19. Review status: criteria provided, single submitter. Criteria: ACMG Guidelines, 2015. Collection method: clinical testing. Allele origin: germline.
Comment: This variant is classified as likely benign based on ACMG/AMP sequence variant interpretation guidelines (Richards et al. 2015 PMID: 25741868, with internal and published modifications).

Blueprint Genetics
Classification: Likely benign. Last evaluated: 2023-08-10. Review status: criteria provided, single submitter. Criteria: ACMG Guidelines, 2015. Collection method: clinical testing. Allele origin: germline.

CeGaT Center for Human Genetics Tuebingen
Classification: Uncertain significance. Last evaluated: 2019-02-01. Review status: criteria provided, single submitter. Criteria: CeGaT Center For Human Genetics Tuebingen Variant Classification Criteria Version 2. Collection method: clinical testing. Allele origin: germline. Affected: yes. Observed: 1 variant allele.

Illumina Laboratory Services, Illumina
Classification: Uncertain significance for Stargardt disease 4. Last evaluated: 2018-01-15. Review status: criteria provided, single submitter. Criteria: ICSL Variant Classification Criteria 13 December 2019. Collection method: clinical testing. Allele origin: germline.

Illumina Laboratory Services, Illumina
Classification: Uncertain significance for Cone-rod dystrophy 12. Last evaluated: 2018-01-15. Review status: criteria provided, single submitter. Criteria: ICSL Variant Classification Criteria 13 December 2019. Collection method: clinical testing. Allele origin: germline.

Illumina Laboratory Services, Illumina
Classification: Uncertain significance for Retinitis pigmentosa. Last evaluated: 2018-01-15. Review status: criteria provided, single submitter. Criteria: ICSL Variant Classification Criteria 13 December 2019. Collection method: clinical testing. Allele origin: germline.

Illumina Laboratory Services, Illumina
Classification: Uncertain significance for Retinal macular dystrophy type 2. Last evaluated: 2018-01-15. Review status: criteria provided, single submitter. Criteria: ICSL Variant Classification Criteria 13 December 2019. Collection method: clinical testing. Allele origin: germline.

NM_006017.3(PROM1):c.677C>T (p.Ala226Val)

Gene: PROM1 (prominin 1; minus strand). Cytogenetic location: 4p15.32.
Variant type: single nucleotide variant.
Coding change: c.677C>T on transcript NM_006017.3 (MANE Select); coding-DNA position 677, C replaced by T.
Protein change: p.Ala226Val; replaces alanine 226 with valine.
Molecular consequence: missense variant.
Genome position (GRCh38, 1-based): chr4:16,024,312, G>A on the plus strand (C>T on the coding strand, the complement: PROM1 is on the minus strand). VCF-style: chr4-16024312-G-A. GRCh37 (hg19) VCF-style: chr4-16025935-G-A.
Other names: c.650C>T, p.Ala217Val (NM_001145847.2, NM_001145848.2, NM_001145851.2 and 4 more transcripts); c.677C>T, p.Ala226Val (NM_001145849.2, NM_001145850.2); short protein forms A226V, A217V.
Identifiers: ClinVar variation 809628 (VCV000809628.53), dbSNP rs376198840, ClinGen allele CA2867002.
Genomic context (GRCh38, chr4:16,024,312, plus strand): 5'-AAACAAAGAAAAAAAATGTGAAGCAACTTTAAATTTTACTCACTGTTCAGATCTGTGAAC[G>A]CCTTGTCCTTGGTAGTGTTGTACTGGGCCAATATATATTTGATTTGCTGAAAAAAGAACA-3'
Protein context (NP_006008.1, residues 216-236): LAQYNTTKDK[Ala226Val]FTDLNSINSV